The following is an entry in ClinVar:

NM_013254.4(TBK1):c.125A>G (p.Asn42Ser)

Gene: TBK1 (TANK binding kinase 1; plus strand). Cytogenetic location: 12q14.2.
Variant type: single nucleotide variant.
Coding change: c.125A>G on transcript NM_013254.4 (MANE Select); coding-DNA position 125, A replaced by G.
Protein change: p.Asn42Ser; replaces asparagine 42 with serine.
Molecular consequence: missense variant.
Genome position (GRCh38, 1-based): chr12:64,460,226, A>G. VCF-style: chr12-64460226-A-G. GRCh37 (hg19) VCF-style: chr12-64854006-A-G.
Other names: short protein forms N42S.
Identifiers: ClinVar variation 1416866 (VCV001416866.26), dbSNP rs748061846, ClinGen allele CA6668722.

ClinVar aggregate classification (germline): Conflicting classifications of pathogenicity. Review status: criteria provided, conflicting classifications (1 of 4 stars). 2 submissions from 2 submitters: Uncertain significance (1); Likely benign (1). Last evaluated 2024-11-07.

Conditions:
Frontotemporal dementia and/or amyotrophic lateral sclerosis 4. Also called: FTDALS4. Identifiers: Orphanet 275872, MedGen C4225325, MONDO:0014641, OMIM 616439.

Allele frequency attached by ClinVar (database versions not stated): gnomAD exomes 0.00002 and 0.00004; TOPMed 0.00002; ExAC 0.00005.
gnomAD v4.1: 38 of 1,562,742 alleles (0.0024%); highest among the groups gnomAD compares: Middle Eastern, 0.017%; 1 homozygote.

Submissions (2):

Labcorp Genetics (formerly Invitae), Labcorp
Classification: Uncertain significance for Frontotemporal dementia and/or amyotrophic lateral sclerosis 4. Last evaluated: 2024-11-07. Review status: criteria provided, single submitter. Criteria: Invitae Variant Classification Sherloc (09022015). Collection method: clinical testing. Allele origin: germline.
Comment: This sequence change replaces asparagine, which is neutral and polar, with serine, which is neutral and polar, at codon 42 of the TBK1 protein (p.Asn42Ser). This variant is present in population databases (rs748061846, gnomAD 0.006%). This variant has not been reported in the literature in individuals affected with TBK1-related conditions. ClinVar contains an entry for this variant (Variation ID: 1416866). Invitae Evidence Modeling of protein sequence and biophysical properties (such as structural, functional, and spatial information, amino acid conservation, physicochemical variation, residue mobility, and thermodynamic stability) indicates that this missense variant is not expected to disrupt TBK1 protein function with a negative predictive value of 95%. In summary, the available evidence is currently insufficient to determine the role of this variant in disease. Therefore, it has been classified as a Variant of Uncertain Significance.

CeGaT Center for Human Genetics Tuebingen
Classification: Likely benign. Last evaluated: 2024-03-01. Review status: criteria provided, single submitter. Criteria: CeGaT Center For Human Genetics Tuebingen Variant Classification Criteria Version 2. Collection method: clinical testing. Allele origin: germline. Affected: yes. Observed: 1 variant allele.
Comment: TBK1: BP4